The following is an entry in ClinVar:

NM_177550.5(SLC13A5):c.325A>G (p.Ile109Val)

Gene: SLC13A5 (solute carrier family 13 member 5; minus strand). Cytogenetic location: 17p13.1.
Variant type: single nucleotide variant.
Coding change: c.325A>G on transcript NM_177550.5 (MANE Select); coding-DNA position 325, A replaced by G.
Protein change: p.Ile109Val; replaces isoleucine 109 with valine.
Molecular consequence: missense variant.
Genome position (GRCh38, 1-based): chr17:6,706,685, T>C on the plus strand (A>G on the coding strand, the complement: SLC13A5 is on the minus strand). VCF-style: chr17-6706685-T-C. GRCh37 (hg19) VCF-style: chr17-6610004-T-C.
Other names: c.325A>G, p.Ile109Val (NM_001143838.3, NM_001284509.2); c.196A>G, p.Ile66Val (NM_001284510.2); short protein forms I66V, I109V.
Identifiers: ClinVar variation 945792 (VCV000945792.10), dbSNP rs1973874074, ClinGen allele CA397750786.

ClinVar aggregate classification (germline): Uncertain significance (1 of 4 stars; one submission).

Conditions:
Developmental and epileptic encephalopathy, 25 (DEE25). Also called: Epileptic encephalopathy, early infantile, 25; Developmental and epileptic encephalopathy 25, with amelogenesis imperfecta; Epileptic encephalopathy, early infantile, 25, with amelogenesis imperfecta. Identifiers: Orphanet 442835, MedGen C4014621, MONDO:0014392, OMIM 615905.

Submission:

Labcorp Genetics (formerly Invitae), Labcorp
Classification: Uncertain significance for Developmental and epileptic encephalopathy, 25. Last evaluated: 2022-03-16. Review status: criteria provided, single submitter. Criteria: Invitae Variant Classification Sherloc (09022015). Collection method: clinical testing. Allele origin: germline.
Comment: This variant is not present in population databases (gnomAD no frequency). This sequence change replaces isoleucine, which is neutral and non-polar, with valine, which is neutral and non-polar, at codon 109 of the SLC13A5 protein (p.Ile109Val). This variant has not been reported in the literature in individuals affected with SLC13A5-related conditions. In summary, the available evidence is currently insufficient to determine the role of this variant in disease. Therefore, it has been classified as a Variant of Uncertain Significance. Algorithms developed to predict the effect of missense changes on protein structure and function (SIFT, PolyPhen-2, Align-GVGD) all suggest that this variant is likely to be tolerated. ClinVar contains an entry for this variant (Variation ID: 945792).